The following is an entry in ClinVar:

NM_181332.3(NLGN4X):c.662A>G (p.Asn221Ser)

Gene: NLGN4X (neuroligin 4 X-linked; minus strand). Cytogenetic location: Xp22.32.
Variant type: single nucleotide variant.
Coding change: c.662A>G on transcript NM_181332.3 (MANE Select); coding-DNA position 662, A replaced by G.
Protein change: p.Asn221Ser; replaces asparagine 221 with serine.
Molecular consequence: missense variant.
Genome position (GRCh38, 1-based): chrX:5,909,203, T>C on the plus strand (A>G on the coding strand, the complement: NLGN4X is on the minus strand). VCF-style: chrX-5909203-T-C. GRCh37 (hg19) VCF-style: chrX-5827244-T-C.
Other names: c.662A>G, p.Asn221Ser (NM_001282145.2, NM_001282146.2, NM_020742.4); short protein forms N221S.
Identifiers: ClinVar variation 3343339 (VCV003343339.1).
Genomic context (GRCh38, chrX:5,909,203, plus strand): 5'-AAGGCTCCCACATTCTCCTCAATCCACCGCAGTGCTTGAATCTGATCCAGGAGCCCATAG[T>C]TGCCTTTTGCTGCCTGGTCACCGGTACTTAAAAACCCTACAAAAGAACACAAGATATTTT-3'
Protein context (NP_851849.1, residues 211-231): LSTGDQAAKG[Asn221Ser]YGLLDQIQAL

ClinVar aggregate classification (germline): Uncertain significance (1 of 4 stars; one submission).

Submission:

GeneDx
Classification: Uncertain significance. Last evaluated: 2023-05-05. Review status: criteria provided, single submitter. Criteria: GeneDx Variant Classification Process June 2021. Collection method: clinical testing. Allele origin: germline. Affected: yes.
Comment: Not observed at significant frequency in large population cohorts (gnomAD); In silico analysis supports that this missense variant has a deleterious effect on protein structure/function; Has not been previously published as pathogenic or benign to our knowledge